The following is an entry in ClinVar:

NM_002354.3(EPCAM):c.540del (p.Phe180fs)

Gene: EPCAM (epithelial cell adhesion molecule; plus strand). Cytogenetic location: 2p21.
Variant type: Deletion.
Coding change: c.540del on transcript NM_002354.3 (MANE Select); coding-DNA position 540, one base deleted (T; older notation c.540delT).
Protein change: p.Phe180fs; shifts the reading frame from phenylalanine 180.
Molecular consequence: frameshift variant.
Genome position (GRCh38, 1-based): chr2:47,377,062, T deleted; the last of 3 consecutive T bases (chr2:47,377,060-47,377,062); deleting any one gives the same sequence. VCF-style (leftmost placement, unchanged base first): chr2-47377059-AT-A. GRCh37 (hg19) VCF-style: chr2-47604198-AT-A.
Other names: short protein forms F180fs.
Identifiers: ClinVar variation 3255334 (VCV003255334.1).
Genomic context (GRCh38, chr2:47,377,059, plus strand): 5'-TTAAATTCTTTACAGTGCACTTCAGAAGGAGATCACAACGCGTTATCAACTGGATCCAAA[AT>A]TTATCACGAGTATTTTGGTATGATTTTTTAATAAGTGAGCTTTAGCAGACAGTTGGTGAG-3'

ClinVar aggregate classification (germline): Pathogenic (1 of 4 stars; one submission).

Conditions:
Congenital diarrhea 5 with tufting enteropathy. Also called: INTESTINAL EPITHELIAL CELL DYSPLASIA; Congenital tufting enteropathy. Identifiers: Orphanet 92050, MedGen C2750737, MONDO:0013184, OMIM 613217.

Submission:

Aleixo Muise Laboratory, Hospital For Sick Children
Classification: Pathogenic for Congenital diarrhea 5 with tufting enteropathy. Last evaluated: 2024-07-05. Review status: criteria provided, single submitter. Criteria: ACMG Guidelines, 2015. Collection method: research. Allele origin: germline. Affected: yes. Observed: 2 variant alleles.
Comment: PVS1;PM2;PM3;PM5;PP1;PP3;PP4